The following is an entry in ClinVar:

ClinVar aggregate classification (germline): Uncertain significance (1 of 4 stars; one submission).

Conditions:
Congenital contractural arachnodactyly (CCA). Also called: BEALS SYNDROME; Arthrogryposis, distal, type 9; Beals-Hecht syndrome. Identifiers: Orphanet 115, MedGen C0220668, MONDO:0007363, OMIM 121050.

Allele frequency attached by ClinVar (database versions not stated): ExAC 0.00001; gnomAD 0.00001; gnomAD exomes 0.00001; ESP Exome Variant Server 0.00008.
gnomAD v4.1: 9 of 1,613,928 alleles (0.00056%); highest among the groups gnomAD compares: Non-Finnish European, 0.00076%; no homozygotes.

Submission:

Labcorp Genetics (formerly Invitae), Labcorp
Classification: Uncertain significance for Congenital contractural arachnodactyly. Last evaluated: 2026-01-27. Review status: criteria provided, single submitter. Criteria: Invitae Variant Classification Sherloc (09022015). Collection method: clinical testing. Allele origin: germline.
Comment: This sequence change falls in intron 34 of the FBN2 gene. It does not directly change the encoded amino acid sequence of the FBN2 protein. It affects a nucleotide within the consensus splice site. This variant is present in population databases (rs371836127, gnomAD 0.0009%). This variant has not been reported in the literature in individuals affected with FBN2-related conditions. ClinVar contains an entry for this variant (Variation ID: 2916408). Variants that disrupt the consensus splice site are a relatively common cause of aberrant splicing (PMID: 17576681, 9536098). Algorithms developed to predict the effect of sequence changes on RNA splicing suggest that this variant may disrupt the consensus splice site. In summary, the available evidence is currently insufficient to determine the role of this variant in disease. Therefore, it has been classified as a Variant of Uncertain Significance.

Literature cited by the submitters: PubMed 17576681; PubMed 9536098.

NM_001999.4(FBN2):c.4471+6T>G

Gene: FBN2 (fibrillin 2; minus strand). Cytogenetic location: 5q23.3.
Variant type: single nucleotide variant.
Coding change: c.4471+6T>G on transcript NM_001999.4 (MANE Select); 6 bases into the intron after coding-DNA position 4471, T replaced by G.
Molecular consequence: intron variant.
Genome position (GRCh38, 1-based): chr5:128,328,690, A>C on the plus strand (T>G on the coding strand, the complement: FBN2 is on the minus strand). VCF-style: chr5-128328690-A-C. GRCh37 (hg19) VCF-style: chr5-127664382-A-C.
Identifiers: ClinVar variation 2916408 (VCV002916408.3), dbSNP rs371836127, ClinGen allele CA3394959.